The following is an entry in ClinVar:

ClinVar aggregate classification (germline): Uncertain significance. Review status: criteria provided, multiple submitters, no conflicts (2 of 4 stars). 4 submissions from 4 submitters: Uncertain significance (4). Last evaluated 2026-04-09.

Conditions:
Choanal atresia-athelia-hypothyroidism-delayed puberty-short stature syndrome (BCAHH). Also called: BRANCHIAL ARCH ABNORMALITIES, CHOANAL ATRESIA, ATHELIA, HEARING LOSS, AND HYPOTHYROIDISM SYNDROME. Identifiers: Orphanet 589856, MedGen C5680310, MONDO:0035651, OMIM 620186.
Kabuki syndrome 1 (KABUK1). Also called: KMT2D-Related Kabuki Syndrome. Identifiers: Orphanet 2322, MedGen CN030661, MONDO:0007843, OMIM 147920.
KMT2D-related disorder. Also called: KMT2D-Related Disorders.
Kabuki syndrome. Also called: NIIKAWA-KUROKI SYNDROME; Kabuki make-up syndrome. Identifiers: Orphanet 2322, MedGen C0796004, MONDO:0016512.

Allele frequency attached by ClinVar (database versions not stated): ExAC 0.00001; gnomAD 0.00002; gnomAD exomes 0.00002; TOPMed 0.00002.
gnomAD v4.1: 42 of 1,613,804 alleles (0.0026%); highest among the groups gnomAD compares: Non-Finnish European, 0.003%; no homozygotes.

Submissions (4):

PreventionGenetics, part of Exact Sciences
Classification: Uncertain significance for KMT2D-related condition. Last evaluated: 2026-04-09. Review status: criteria provided, single submitter. Criteria: ACMG Guidelines, 2015. Collection method: clinical testing. Allele origin: germline.
Comment: The KMT2D c.15559G>A variant is predicted to result in the amino acid substitution p.Ala5187Thr. To our knowledge, this variant has not been reported in the literature or in a large population database (gnomAD), indicating this variant is rare. An alternate nucleotide change affecting the same amino acid (p.Ala5187Pro) has been reported in an individual with Kabuki syndrome; however, this variant was interpreted as uncertain significance (Table S3, Faundes et al. 2019. PubMed ID: 30459467). At this time, the clinical significance of this variant is uncertain due to the absence of conclusive functional and genetic evidence.

Labcorp Genetics (formerly Invitae), Labcorp
Classification: Uncertain significance for Kabuki syndrome. Last evaluated: 2025-11-03. Review status: criteria provided, single submitter. Criteria: Invitae Variant Classification Sherloc (09022015). Collection method: clinical testing. Allele origin: germline.
Comment: This sequence change replaces alanine, which is neutral and non-polar, with threonine, which is neutral and polar, at codon 5187 of the KMT2D protein (p.Ala5187Thr). This variant is not present in population databases (gnomAD no frequency). This variant has not been reported in the literature in individuals affected with KMT2D-related conditions. ClinVar contains an entry for this variant (Variation ID: 2174487). Invitae Evidence Modeling of protein sequence and biophysical properties (such as structural, functional, and spatial information, amino acid conservation, physicochemical variation, residue mobility, and thermodynamic stability) indicates that this missense variant is not expected to disrupt KMT2D protein function with a negative predictive value of 95%. In summary, the available evidence is currently insufficient to determine the role of this variant in disease. Therefore, it has been classified as a Variant of Uncertain Significance.

Fulgent Genetics
Classification: Uncertain significance for Kabuki syndrome 1; Choanal atresia-athelia-hypothyroidism-delayed puberty-short stature syndrome. Last evaluated: 2024-05-03. Review status: criteria provided, single submitter. Criteria: ACMG Guidelines, 2015. Collection method: clinical testing. Allele origin: germline.

Blueprint Genetics
Classification: Uncertain significance. Last evaluated: 2020-08-04. Review status: criteria provided, single submitter. Criteria: ACMG Guidelines, 2015. Collection method: clinical testing. Allele origin: germline.

NM_003482.4(KMT2D):c.15559G>A (p.Ala5187Thr)

Gene: KMT2D (lysine methyltransferase 2D; minus strand). Cytogenetic location: 12q13.12.
Variant type: single nucleotide variant.
Coding change: c.15559G>A on transcript NM_003482.4 (MANE Select); coding-DNA position 15559, G replaced by A.
Protein change: p.Ala5187Thr; replaces alanine 5187 with threonine.
Molecular consequence: missense variant.
Genome position (GRCh38, 1-based): chr12:49,026,407, C>T on the plus strand (G>A on the coding strand, the complement: KMT2D is on the minus strand). VCF-style: chr12-49026407-C-T. GRCh37 (hg19) VCF-style: chr12-49420190-C-T.
Other names: short protein forms A5187T.
Identifiers: ClinVar variation 2174487 (VCV002174487.7), dbSNP rs775954885, ClinGen allele CA6545541.